The following is an entry in ClinVar:

ClinVar aggregate classification (germline): Uncertain significance (1 of 4 stars; one submission).

Conditions:
Inborn genetic diseases. Identifiers: MedGen C0950123, MeSH D030342.

Submission:

Ambry Genetics
Classification: Uncertain significance for Inborn genetic diseases. Last evaluated: 2024-11-30. Review status: criteria provided, single submitter. Criteria: Ambry Variant Classification Scheme 2023. Collection method: clinical testing. Allele origin: germline.
Comment: The p.I971M variant (also known as c.2913C>G), located in coding exon 13 of the BMPR2 gene, results from a C to G substitution at nucleotide position 2913. The isoleucine at codon 971 is replaced by methionine, an amino acid with highly similar properties. This amino acid position is conserved. In addition, the in silico prediction for this alteration is inconclusive. Based on the available evidence, the clinical significance of this variant remains unclear.

NM_001204.7(BMPR2):c.2913C>G (p.Ile971Met)

Gene: BMPR2 (bone morphogenetic protein receptor type 2; plus strand). Cytogenetic location: 2q33.2.
Variant type: single nucleotide variant.
Coding change: c.2913C>G on transcript NM_001204.7 (MANE Select); coding-DNA position 2913, C replaced by G.
Protein change: p.Ile971Met; replaces isoleucine 971 with methionine.
Molecular consequence: missense variant.
Genome position (GRCh38, 1-based): chr2:202,559,742, C>G. VCF-style: chr2-202559742-C-G. GRCh37 (hg19) VCF-style: chr2-203424465-C-G.
Other names: short protein forms I971M.
Identifiers: ClinVar variation 3481321 (VCV003481321.1).